The following is an entry in ClinVar:

NM_000051.4(ATM):c.6376G>C (p.Glu2126Gln)

Genes: ATM (ATM serine/threonine kinase; plus strand), C11orf65 (chromosome 11 open reading frame 65; minus strand). Cytogenetic location: 11q22.3.
Variant type: single nucleotide variant.
Coding change: c.6376G>C on transcript NM_000051.4 (MANE Select); coding-DNA position 6376, G replaced by C.
Protein change: p.Glu2126Gln; replaces glutamic acid 2126 with glutamine.
Molecular consequence: missense variant. On other transcripts: intron variant (2).
Genome position (GRCh38, 1-based): chr11:108,319,982, G>C. VCF-style: chr11-108319982-G-C. GRCh37 (hg19) VCF-style: chr11-108190709-G-C.
Other names: c.6376G>C, p.Glu2126Gln (NM_001351834.2); c.641-10911C>G (NM_001330368.2); c.*39-10911C>G (NM_001351110.2); short protein forms E2126Q.
Identifiers: ClinVar variation 1753137 (VCV001753137.2), dbSNP rs1555116399, ClinGen allele CA382553266.
Genomic context (GRCh38, chr11:108,319,982, plus strand): 5'-AAGTATATTTTTTTCTTTGACTTATCTCACAGCAAAGAAGTAGAAGGAACCAGTTACCAT[G>C]AATCATTGTACAATGCTCTACAATCTCTAAGAGACAGAGAATTCTCTACATTTTATGAAA-3'
Protein context (NP_000042.3, residues 2116-2136): SKEVEGTSYH[Glu2126Gln]SLYNALQSLR

ClinVar aggregate classification (germline): Uncertain significance (1 of 4 stars; one submission).

Conditions:
Hereditary cancer-predisposing syndrome. Also called: Hereditary neoplastic syndrome; Neoplastic Syndromes, Hereditary; Tumor predisposition; Hereditary Cancer Syndrome. Identifiers: Orphanet 140162, MedGen C0027672, MeSH D009386, MONDO:0015356.

Allele frequency attached by ClinVar (database versions not stated): gnomAD exomes below 0.00001.
gnomAD v4.1: 1 of 1,612,596 alleles (0.000062%); highest among the groups gnomAD compares: Non-Finnish European, 0.000085%; no homozygotes.

Submission:

Ambry Genetics
Classification: Uncertain significance for Hereditary cancer-predisposing syndrome. Last evaluated: 2022-02-06. Review status: criteria provided, single submitter. Criteria: Ambry Variant Classification Scheme 2023. Collection method: clinical testing. Allele origin: germline.
Comment: The p.E2126Q variant (also known as c.6376G>C), located in coding exon 43 of the ATM gene, results from a G to C substitution at nucleotide position 6376. The glutamic acid at codon 2126 is replaced by glutamine, an amino acid with highly similar properties. This amino acid position is conserved. In addition, this alteration is predicted to be tolerated by in silico analysis. Since supporting evidence is limited at this time, the clinical significance of this alteration remains unclear.